The following is an entry in ClinVar:

NM_000548.5(TSC2):c.588A>T (p.Ala196=)

Gene: TSC2 (TSC complex subunit 2; plus strand). Cytogenetic location: 16p13.3.
Variant type: single nucleotide variant.
Coding change: c.588A>T on transcript NM_000548.5 (MANE Select); coding-DNA position 588, A replaced by T.
Protein change: p.Ala196=; no amino-acid change (alanine 196 retained).
Molecular consequence: synonymous variant. On other transcripts: 5 prime UTR variant (13), non-coding transcript variant (5), intron variant (6).
Genome position (GRCh38, 1-based): chr16:2,055,508, A>T. VCF-style: chr16-2055508-A-T. GRCh37 (hg19) VCF-style: chr16-2105509-A-T.
Other names: c.588A>T, p.Ala196= (NM_001077183.3, NM_001114382.3, NM_001363528.2 and 8 more transcripts); c.477A>T, p.Ala159= (NM_001318827.2, NM_001406670.1, NM_001406678.1); c.441A>T, p.Ala147= (NM_001318829.2, NM_001406675.1, NM_001406676.1 and 1 more transcripts); c.621A>T, p.Ala207= (NM_001318832.2); c.678A>T, p.Ala226= (NM_001406667.1, NM_001406668.1); c.531A>T, p.Ala177= (NM_001406677.1); c.-229A>T (NM_001406680.1, NM_001406683.1, NM_001406687.1); c.126A>T, p.Ala42= (NM_001406681.1); and 6 more.
Identifiers: ClinVar variation 3232198 (VCV003232198.2), dbSNP rs941407136, ClinGen allele CA492955904.

ClinVar aggregate classification (germline): Conflicting classifications of pathogenicity. Review status: criteria provided, conflicting classifications (1 of 4 stars). 2 submissions from 2 submitters: Uncertain significance (1); Benign (1). Last evaluated 2025-05-08.

Conditions:
Hereditary cancer-predisposing syndrome. Also called: Hereditary Cancer Syndrome; Tumor predisposition; Neoplastic Syndromes, Hereditary; Hereditary neoplastic syndrome. Identifiers: Orphanet 140162, MedGen C0027672, MeSH D009386, MONDO:0015356.
Tuberous sclerosis 2 (TSC2). Identifiers: Orphanet 805, MedGen C1860707, MONDO:0013199, OMIM 613254.

Submissions (2):

Myriad Genetics, Inc.
Classification: Benign for Tuberous sclerosis 2. Last evaluated: 2025-05-08. Review status: criteria provided, single submitter. Criteria: Myriad Autosomal Dominant, Autosomal Recessive and X-Linked Classification Criteria (2023). Collection method: clinical testing. Allele origin: unknown.
Comment: This variant is considered benign. This variant is a silent/synonymous amino acid change and it is not expected to impact splicing.

Ambry Genetics
Classification: Uncertain significance for Hereditary cancer-predisposing syndrome. Last evaluated: 2024-03-14. Review status: criteria provided, single submitter. Criteria: Ambry Variant Classification Scheme 2023. Collection method: clinical testing. Allele origin: germline.
Comment: The c.588A>T variant (also known as p.A196A), located in coding exon 5 of the TSC2 gene, results from an A to T substitution at nucleotide position 588. This nucleotide substitution does not change the alanine at codon 196. This nucleotide position is not well conserved in available vertebrate species. In silico splice site analysis predicts that this alteration may weaken the native splice donor site; however, direct evidence is insufficient at this time (Ambry internal data). Based on the available evidence, the clinical significance of this alteration remains unclear.